The following is an entry in ClinVar:

ClinVar aggregate classification (germline): Uncertain significance. Review status: criteria provided, multiple submitters, no conflicts (2 of 4 stars). 2 submissions from 2 submitters: Uncertain significance (2). Last evaluated 2026-05-06.

Conditions:
Progressive myoclonic epilepsy type 5. Identifiers: Orphanet 402082, MedGen C5190799.

Allele frequency attached by ClinVar (database versions not stated): TOPMed 0.00001.

Submissions (2):

Women's Health and Genetics/Laboratory Corporation of America, LabCorp
Classification: Uncertain significance. Last evaluated: 2026-05-06. Review status: criteria provided, single submitter. Criteria: LabCorp Variant Classification Summary - May 2015. Collection method: clinical testing. Allele origin: germline.
Comment: Variant summary: PRICKLE2 c.263G>A (p.Arg88Gln) results in a conservative amino acid change in the encoded protein sequence. Algorithms developed to predict the effect of missense changes on protein structure and function are either unavailable or do not agree on the potential impact of this missense change. The variant allele was found at a frequency of 8e-06 in 251414 control chromosomes. The available data on variant occurrences in the general population are insufficient to allow any conclusion about variant significance. To our knowledge, no occurrence of c.263G>A in individuals affected with PRICKLE2-related conditions and no experimental evidence demonstrating its impact on protein function have been reported. ClinVar contains an entry for this variant (Variation ID: 2420830). Based on the evidence outlined above, the variant was classified as uncertain significance.

Labcorp Genetics (formerly Invitae), Labcorp
Classification: Uncertain significance for Progressive myoclonic epilepsy type 5. Last evaluated: 2021-12-19. Review status: criteria provided, single submitter. Criteria: Invitae Variant Classification Sherloc (09022015). Collection method: clinical testing. Allele origin: germline.
Comment: This sequence change replaces arginine, which is basic and polar, with glutamine, which is neutral and polar, at codon 88 of the PRICKLE2 protein (p.Arg88Gln). This variant is present in population databases (no rsID available, gnomAD 0.01%). This variant has not been reported in the literature in individuals affected with PRICKLE2-related conditions. Algorithms developed to predict the effect of missense changes on protein structure and function (SIFT, PolyPhen-2, Align-GVGD) all suggest that this variant is likely to be disruptive. In summary, the available evidence is currently insufficient to determine the role of this variant in disease. Therefore, it has been classified as a Variant of Uncertain Significance.

NM_198859.4(PRICKLE2):c.263G>A (p.Arg88Gln)

Gene: PRICKLE2 (prickle planar cell polarity protein 2; minus strand). Cytogenetic location: 3p14.1.
Variant type: single nucleotide variant.
Coding change: c.263G>A on transcript NM_198859.4 (MANE Select); coding-DNA position 263, G replaced by A.
Protein change: p.Arg88Gln; replaces arginine 88 with glutamine.
Molecular consequence: missense variant.
Genome position (GRCh38, 1-based): chr3:64,160,073, C>T on the plus strand (G>A on the coding strand, the complement: PRICKLE2 is on the minus strand). VCF-style: chr3-64160073-C-T. GRCh37 (hg19) VCF-style: chr3-64145749-C-T.
Other names: c.263G>A, p.Arg88Gln (NM_001370528.1); short protein forms R88Q.
Identifiers: ClinVar variation 2420830 (VCV002420830.8), dbSNP rs1461035063, ClinGen allele CA353435830.
Genomic context (GRCh38, chr3:64,160,073, plus strand): 5'-CTCTGGCTGCTGAAAAGCTTCAGCTCCCTCTTCTCTTCCTCATCCAGGGAGTTGCAATAT[C>T]GAACCTGAATAGACACAGACAATGGCATGGAAAAAGTCACCCTTGCTCCTTAAGATTTCT-3'
Protein context (NP_942559.1, residues 78-98): HQLPPHDNEV[Arg88Gln]YCNSLDEEEK